The following is an entry in ClinVar:

ClinVar aggregate classification (germline): Likely benign. Review status: criteria provided, multiple submitters, no conflicts (2 of 4 stars). 3 submissions from 3 submitters: Likely benign (2). 1 of the submissions does not count toward it. Last evaluated 2024-02-04.

Conditions:
Duchenne muscular dystrophy (DMD). Also called: MUSCULAR DYSTROPHY, PSEUDOHYPERTROPHIC PROGRESSIVE, DUCHENNE TYPE; Duchenne Muscular Dystrophy (DMD). Identifiers: Orphanet 98896, MedGen C0013264, MONDO:0010679, OMIM 310200.
Dystrophin deficiency.
Becker muscular dystrophy (BMD). Also called: MUSCULAR DYSTROPHY, PSEUDOHYPERTROPHIC PROGRESSIVE, BECKER TYPE; Becker Muscular Dystrophy (BMD). Identifiers: Orphanet 98895, MedGen C0917713, MONDO:0010311, OMIM 300376.
Cardiomyopathy (CMYO). Also called: Cardiomyopathies. Identifiers: Orphanet 167848, MedGen C0878544, MONDO:0004994, HP:0001638. Inheritance: Various modes of inheritance.

Allele frequency attached by ClinVar (database versions not stated): gnomAD exomes below 0.00001 and 0.00001; ExAC 0.00001.
gnomAD v4.1: 4 of 1,183,820 alleles (0.00034%); highest among the groups gnomAD compares: Non-Finnish European, 0.00045%; no homozygotes.

Submissions (3):

Labcorp Genetics (formerly Invitae), Labcorp
Classification: Likely benign for Duchenne muscular dystrophy. Last evaluated: 2024-02-04. Review status: criteria provided, single submitter. Criteria: Invitae Variant Classification Sherloc (09022015). Collection method: clinical testing. Allele origin: germline.

GeneDx
Classification: Likely benign. Last evaluated: 2018-06-06. Review status: criteria provided, single submitter. Criteria: GeneDx Variant Classification (06012015). Collection method: clinical testing. Allele origin: germline. Affected: yes.
Comment: This variant is considered likely benign or benign based on one or more of the following criteria: it is a conservative change, it occurs at a poorly conserved position in the protein, it is predicted to be benign by multiple in silico algorithms, and/or has population frequency not consistent with disease.

Natera, Inc.
Classification: Likely benign for Becker muscular dystrophy; Cardiomyopathy; Duchenne muscular dystrophy; Dystrophin deficiency. Last evaluated: 2020-12-18. Review status: no assertion criteria provided. Collection method: clinical testing. Allele origin: germline. Not counted in ClinVar's aggregate classification.

NM_004006.3(DMD):c.3590T>C (p.Val1197Ala)

Gene: DMD (dystrophin; minus strand). Cytogenetic location: Xp21.1.
Variant type: single nucleotide variant.
Coding change: c.3590T>C on transcript NM_004006.3 (MANE Select); coding-DNA position 3590, T replaced by C.
Protein change: p.Val1197Ala; replaces valine 1197 with alanine.
Molecular consequence: missense variant.
Genome position (GRCh38, 1-based): chrX:32,454,675, A>G on the plus strand (T>C on the coding strand, the complement: DMD is on the minus strand). VCF-style: chrX-32454675-A-G. GRCh37 (hg19) VCF-style: chrX-32472792-A-G.
Other names: c.3566T>C, p.Val1189Ala (NM_000109.4); c.3578T>C, p.Val1193Ala (NM_004009.3); c.3221T>C, p.Val1074Ala (NM_004010.3); short protein forms V1074A, V1189A, V1193A, V1197A.
Identifiers: ClinVar variation 669365 (VCV000669365.7), dbSNP rs777955789, ClinGen allele CA10379240.